The following is an entry in ClinVar:

ClinVar aggregate classification (germline): Uncertain significance (1 of 4 stars; one submission).

Allele frequency attached by ClinVar (database versions not stated): ExAC 0.00005.
gnomAD v4.1: 6 of 1,551,510 alleles (0.00039%); highest among the groups gnomAD compares: Non-Finnish European, 0.00052%; no homozygotes.

Submission:

Labcorp Genetics (formerly Invitae), Labcorp
Classification: Uncertain significance. Last evaluated: 2023-11-21. Review status: criteria provided, single submitter. Criteria: Invitae Variant Classification Sherloc (09022015). Collection method: clinical testing. Allele origin: germline.
Comment: This sequence change replaces phenylalanine, which is neutral and non-polar, with leucine, which is neutral and non-polar, at codon 480 of the ACAN protein (p.Phe480Leu). This variant is present in population databases (rs773918941, gnomAD 0.003%). This variant has not been reported in the literature in individuals affected with ACAN-related conditions. Advanced modeling of protein sequence and biophysical properties (such as structural, functional, and spatial information, amino acid conservation, physicochemical variation, residue mobility, and thermodynamic stability) performed at Invitae indicates that this missense variant is not expected to disrupt ACAN protein function with a negative predictive value of 80%. In summary, the available evidence is currently insufficient to determine the role of this variant in disease. Therefore, it has been classified as a Variant of Uncertain Significance.

NM_001369268.1(ACAN):c.1440C>G (p.Phe480Leu)

Gene: ACAN (aggrecan; plus strand). Cytogenetic location: 15q26.1.
Variant type: single nucleotide variant.
Coding change: c.1440C>G on transcript NM_001369268.1 (MANE Select); coding-DNA position 1440, C replaced by G.
Protein change: p.Phe480Leu; replaces phenylalanine 480 with leucine.
Molecular consequence: missense variant.
Genome position (GRCh38, 1-based): chr15:88,847,253, C>G. VCF-style: chr15-88847253-C-G. GRCh37 (hg19) VCF-style: chr15-89390484-C-G.
Other names: c.1440C>G, p.Phe480Leu (NM_001135.4, NM_001411096.1, NM_001411097.1 and 1 more transcripts); short protein forms F480L.
Identifiers: ClinVar variation 2974493 (VCV002974493.3), dbSNP rs773918941, ClinGen allele CA7719558.
Genomic context (GRCh38, chr15:88,847,253, plus strand): 5'-GCTGCACACCGTGGGTCCCTGAACCTGACCGCTCCCTCCTCCCCACCCAGGGGTCGTCTT[C>G]CACTACCGCCCGGGACCCACCCGCTACTCGCTGACCTTTGAGGAGGCACAGCAGGCCTGC-3'
Protein context (NP_001356197.1, residues 470-490): GQPHLPGGVV[Phe480Leu]HYRPGPTRYS